The following is an entry in ClinVar:

ClinVar aggregate classification (germline): Uncertain significance (1 of 4 stars; one submission).

Conditions:
Oligodontia-cancer predisposition syndrome. Also called: TOOTH AGENESIS-COLORECTAL CANCER SYNDROME. Identifiers: Orphanet 300576, MedGen C1837750, MONDO:0012075, OMIM 608615. Disease mechanism: loss of function.

Submission:

Labcorp Genetics (formerly Invitae), Labcorp
Classification: Uncertain significance for Oligodontia-cancer predisposition syndrome. Last evaluated: 2024-08-12. Review status: criteria provided, single submitter. Criteria: Invitae Variant Classification Sherloc (09022015). Collection method: clinical testing. Allele origin: germline.
Comment: This sequence change replaces glycine, which is neutral and non-polar, with cysteine, which is neutral and slightly polar, at codon 406 of the AXIN2 protein (p.Gly406Cys). This variant is not present in population databases (gnomAD no frequency). This variant has not been reported in the literature in individuals affected with AXIN2-related conditions. An algorithm developed to predict the effect of missense changes on protein structure and function (PolyPhen-2) suggests that this variant is likely to be disruptive. In summary, the available evidence is currently insufficient to determine the role of this variant in disease. Therefore, it has been classified as a Variant of Uncertain Significance.

NM_004655.4(AXIN2):c.1216G>T (p.Gly406Cys)

Gene: AXIN2 (axin 2; minus strand). Cytogenetic location: 17q24.1.
Variant type: single nucleotide variant.
Coding change: c.1216G>T on transcript NM_004655.4 (MANE Select); coding-DNA position 1216, G replaced by T.
Protein change: p.Gly406Cys; replaces glycine 406 with cysteine.
Molecular consequence: missense variant.
Genome position (GRCh38, 1-based): chr17:65,537,820, C>A on the plus strand (G>T on the coding strand, the complement: AXIN2 is on the minus strand). VCF-style: chr17-65537820-C-A. GRCh37 (hg19) VCF-style: chr17-63533938-C-A.
Other names: c.1216G>T, p.Gly406Cys (NM_001363813.1); short protein forms G406C.
Identifiers: ClinVar variation 3661916 (VCV003661916.2).